The following is an entry in ClinVar:

ClinVar aggregate classification (germline): Likely pathogenic (1 of 4 stars; one submission).

Conditions:
alpha Thalassemia. Also called: Alpha thalassemia spectrum. Identifiers: Orphanet 846, MedGen C0002312, MONDO:0011399, OMIM 604131.

Submission:

Natera, Inc.
Classification: Likely pathogenic for Alpha thalassemia. Last evaluated: 2025-09-19. Review status: criteria provided, single submitter. Criteria: Natera Variant Classification Schema (03/2026). Collection method: clinical testing. Allele origin: germline.
Comment: The c.212dup variant in HBA1 is a frameshift variant predicted to elongate the protein beyond the termination codon. This variant is expected to result in nonsense mediated decay, truncation, or a dysfunctional protein product. This variant is rare in the general population with a frequency below the threshold expected for the associated phenotype(s). Given the available evidence, this variant is classified as Likely Pathogenic.

NM_000558.5(HBA1):c.212dup (p.Ala72fs)

Genes: HBA1 (hemoglobin subunit alpha 1; plus strand), LOC106804613 (hemoglobin subunit alpha 1 recombination region; plus strand). Cytogenetic location: 16p13.3.
Variant type: Duplication.
Coding change: c.212dup on transcript NM_000558.5 (MANE Select); coding-DNA position 212, one base duplicated (T; older notation c.212dupT).
Protein change: p.Ala72fs; shifts the reading frame from alanine 72.
Molecular consequence: frameshift variant.
Genome position (GRCh38, 1-based): chr16:177,045, T duplicated. VCF-style (leftmost placement, unchanged base first): chr16-177044-G-GT. GRCh37 (hg19) VCF-style: chr16-227043-G-GT.
Other names: short protein forms A72fs.
Identifiers: ClinVar variation 4814391 (VCV004814391.1).